The following continues an entry in ClinVar:

NM_001048174.2(MUTYH):c.1333G>A (p.Ala445Thr)

Gene: MUTYH. ClinVar aggregate classification (germline): Conflicting classifications of pathogenicity. Likely pathogenic (1); Uncertain significance (14).

Submissions 8 to 16 of 16:

Quest Diagnostics Nichols Institute San Juan Capistrano
Classification: Uncertain significance. Last evaluated: 2024-08-28. Review status: criteria provided, single submitter. Criteria: Quest Diagnostics criteria. Collection method: clinical testing. Allele origin: unknown.
Comment: The MUTYH c.1417G>A (p.Ala473Thr) variant has been reported in the published literature in individuals affected with colorectal cancer and/or polyps (PMIDs: 25980754 (2015), 17949294 (2007), 14991577 (2004)), and breast cancer (PMID: 25186627 (2015)). Experimental studies regarding the variant's impact on protein function report inconclusive findings as to whether or not this variant is damaging (PMIDs: 31687339 (2019), 25820570 (2015)). The frequency of this variant in the general population, 0.0002 (10/50820 chromosomes (Genome Aggregation Database)), is uninformative in the assessment of its pathogenicity. Analysis of this variant using bioinformatics tools for the prediction of the effect of amino acid changes on protein structure and function yielded conflicting predictions that this variant is deleterious or benign. Additional analysis using software algorithms for the prediction of the effect of nucleotide changes on MUTYH mRNA splicing yielded predictions that this variant may result in the gain of a cryptic splice site without affecting the natural splice sites. Based on the available information, we are unable to determine the clinical significance of this variant.

Department of Pathology and Laboratory Medicine, Sinai Health System
Classification: Uncertain significance for Familial colorectal cancer type X. Last evaluated: 2024-06-17. Review status: criteria provided, single submitter. Criteria: ACMG Guidelines, 2015. Collection method: clinical testing. Allele origin: germline. Affected: yes.

Women's Health and Genetics/Laboratory Corporation of America, LabCorp
Classification: Uncertain significance. Last evaluated: 2024-02-21. Review status: criteria provided, single submitter. Criteria: LabCorp Variant Classification Summary - May 2015. Collection method: clinical testing. Allele origin: germline.
Comment: Variant summary: MUTYH c.1417G>A (p.Ala473Thr) results in a non-conservative amino acid change located in the NUDIX hydrolase domain (IPR000086) and Adenine DNA glycosylase, C-terminal domain (IPR029119) of the encoded protein sequence. Three of five in-silico tools predict a damaging effect of the variant on protein function. Additionally, several computational tools predict a significant impact on normal splicing: four predict the variant strengthens a cryptic 5' donor site. At least one publication reports experimental evidence supporting computational predictions that this variant affects mRNA splicing, finding that the variant resulted in the utilization of a cryptic 5' donor site, leading to a frameshift (p.Ala473PhefsX38; Yamada_2019). The variant allele was found at a frequency of 5.2e-05 in 251686 control chromosomes (gnomAD). This frequency is not significantly higher than estimated for a pathogenic variant in MUTYH causing MUTYH-Associated Polyposis (5.2e-05 vs 0.0046), allowing no conclusion about variant significance. c.1417G>A has been reported in the literature in individuals affected with colorectal, breast, and cervical cancer, however without strong evidence for causality (e.g., Fleischmann_2004, Olschwang_2007, Tung_2014, Yurgelun_2015, Barreiro_2022). These reports therefore do not provide unequivocal conclusions about association of the variant with MUTYH-associated Polyposis. One publication reports experimental evidence evaluating an impact on protein function, finding that the variant showed no damaging effect (e.g., Komine_2015). The following publications have been ascertained in the context of this evaluation (PMID: 16134146, 14991577, 25820570, 26332594, 17949294, 25186627, 25980754, 34816434, 31687339). ClinVar contains an entry for this variant (Variation ID: 141614). Based on the evidence outlined above, the variant was classified as VUS-possibly pathogenic.

Baylor Genetics
Classification: Uncertain significance for Familial adenomatous polyposis 2. Last evaluated: 2024-02-07. Review status: criteria provided, single submitter. Criteria: ACMG Guidelines, 2015. Collection method: clinical testing. Allele origin: unknown.

All of Us Research Program, National Institutes of Health
Classification: Uncertain significance for Familial adenomatous polyposis 2. Last evaluated: 2023-12-18. Review status: criteria provided, single submitter. Criteria: ACMG Guidelines, 2015. Collection method: clinical testing. Allele origin: germline. Inheritance: Autosomal recessive inheritance. Observed: 21 variant alleles, 21 heterozygotes.
Comment: This missense variant replaces alanine with threonine at codon 473 of the MUTYH protein. This variant is also known as c.1375G>A (p.Ala459Met) based on an alternative transcript (NM_001048171). Computational prediction is inconclusive regarding the impact of this variant on protein structure and function (internally defined REVEL score threshold 0.5 < inconclusive < 0.7, PMID: 27666373). Splice site prediction tools suggest that this variant may strengthen an alternative splice donor site. An RNA study using lymphoblastoid cell lines derived from a phenotypically normal subject has shown that this variant leads to the use of the alternative splice donor site (PMID: 31687339), creating a frameshift in the transcript. The clinical relevance of this observation is not known. A functional study has shown that this variant protein leads to similar base excision repair activity in comparison with the wild-type protein in a bacterial complementation assay (PMID: 25820570). This variant has been reported in individuals affected with Lynch syndrome-associated cancer and/or polyps (PMID: 25980754), multiple colorectal adenomas (PMID: 17949294), and breast cancer (PMID: 25186627). This variant has also been identified in 15/282886 chromosomes in the general population by the Genome Aggregation Database (gnomAD). The available evidence is insufficient to determine the role of this variant in disease conclusively. Therefore, this variant is classified as a Variant of Uncertain Significance.

This study involves interpretation of variants in research participants for the purpose of population health screening. Participant phenotype was not available at the time of variant classification. Additional details can be found in publication PMID: 35346344, PMCID: PMC8962531

Fulgent Genetics
Classification: Uncertain significance for Familial adenomatous polyposis 2; Gastric cancer. Last evaluated: 2021-07-20. Review status: criteria provided, single submitter. Criteria: ACMG Guidelines, 2015. Collection method: clinical testing. Allele origin: unknown.

Laboratory for Molecular Medicine, Mass General Brigham Personalized Medicine
Classification: Uncertain significance. Last evaluated: 2019-01-15. Review status: criteria provided, single submitter. Criteria: LMM Criteria. Collection method: clinical testing. Allele origin: germline. Observed: 1 variant allele.
Comment: Variant classified as Uncertain Significance - Favor Benign. The p.Ala473Thr var iant in MUTYH has been reported in the heterozygous state in one individual with colorectal cancer (Fleischmann 2004) and one individual who was tested for a Ly nch Syndrome-associated cancer or colorectal polyps (Yurgelun 2015). Another stu dy reported this variant in an unspecified number of individuals with adenomatou s polyposis (Olschwang 2007; variant reported as Ala459Thr). In vitro functional studies provide some evidence that the p.Ala473Thr variant may not impact prote in function (Komine 2015). However, these types of assays may not accurately rep resent biological function. This variant has also been reported in ClinVar (Vari ation ID 141614) and in 0.02% (14/129192) of European chromosomes by gnomAD. Computational prediction tools and conservation analysis support that the p.Ala473Thr variant may not impact the protein, though this information is not predictive enough to rule out pathogenicity. In summary , while the clinical significance of the p.Ala473Thr variant is uncertain, these data suggest that it is more likely to be benign. ACMG/AMP criteria applied: BP 4, BS3_P.

Illumina Laboratory Services, Illumina
Classification: Uncertain significance for Familial adenomatous polyposis 2. Last evaluated: 2017-04-28. Review status: criteria provided, single submitter. Criteria: ICSL Variant Classification Criteria 13 December 2019. Collection method: clinical testing. Allele origin: germline.
Comment: This variant was observed as part of a predisposition screen in an ostensibly healthy population. A literature search was performed for the gene, cDNA change, and amino acid change (where applicable). Publications were found based on this search. However, the evidence from the literature, in combination with allele frequency data from public databases where available, was not sufficient to rule this variant in or out of causing disease. Therefore, this variant is classified as a variant of unknown significance.

Counsyl
Classification: Uncertain significance for Familial adenomatous polyposis 2. Last evaluated: 2017-01-25. Review status: no assertion criteria provided. Collection method: clinical testing. Allele origin: unknown. Not counted in ClinVar's aggregate classification.

Literature cited by the submitters: PubMed 14991577 (cited by 8 submitters); PubMed 17949294 (cited by 10 submitters); PubMed 25820570 (cited by 11 submitters); PubMed 26332594 (cited by 4 submitters); PubMed 25980754 (cited by 9 submitters); PubMed 31687339 (cited by 6 submitters); PubMed 25186627 (cited by 5 submitters); PubMed 16134146 (cited by 3 submitters); PubMed 19725997 (cited by Quest Diagnostics Nichols Institute San Juan Capistrano and Illumina Laboratory Services, Illumina); PubMed 17031395 (cited by Quest Diagnostics Nichols Institute San Juan Capistrano); PubMed 32720237 (cited by Quest Diagnostics Nichols Institute San Juan Capistrano and Department of Pathology and Laboratory Medicine, Sinai Health System); PubMed 34816434 (cited by Department of Pathology and Laboratory Medicine, Sinai Health System and Women's Health and Genetics/Laboratory Corporation of America, LabCorp); PubMed 15465463 (cited by Illumina Laboratory Services, Illumina).